The following is an entry in ClinVar:

NM_145868.2(ANXA11):c.1339G>A (p.Ala447Thr)

Gene: ANXA11 (annexin A11; minus strand). Cytogenetic location: 10q22.3.
Variant type: single nucleotide variant.
Coding change: c.1339G>A on transcript NM_145868.2 (MANE Select); coding-DNA position 1339, G replaced by A.
Protein change: p.Ala447Thr; replaces alanine 447 with threonine.
Molecular consequence: missense variant.
Genome position (GRCh38, 1-based): chr10:80,157,760, C>T on the plus strand (G>A on the coding strand, the complement: ANXA11 is on the minus strand). VCF-style: chr10-80157760-C-T. GRCh37 (hg19) VCF-style: chr10-81917516-C-T.
Other names: c.1339G>A, p.Ala447Thr (NM_001157.3, NM_001278407.2, NM_001278408.2 and 1 more transcripts); c.1240G>A, p.Ala414Thr (NM_001278409.2); short protein forms A414T, A447T.
Identifiers: ClinVar variation 2629797 (VCV002629797.1), dbSNP rs1410249152, ClinGen allele CA377364389.

ClinVar aggregate classification (germline): Uncertain significance (1 of 4 stars; one submission).

Conditions:
ANXA11-related disorder. Also called: ANXA11-related condition.

gnomAD v4.1: 2 of 1,612,752 alleles (0.00012%); highest among the groups gnomAD compares: Non-Finnish European, 0.00017%; no homozygotes.

Submission:

PreventionGenetics, part of Exact Sciences
Classification: Uncertain significance for ANXA11-related condition. Last evaluated: 2023-02-08. Review status: criteria provided, single submitter. Criteria: ACMG Guidelines, 2015. Collection method: clinical testing. Allele origin: germline.
Comment: The ANXA11 c.1339G>A variant is predicted to result in the amino acid substitution p.Ala447Thr. To our knowledge, this variant has not been reported in the literature or in a large population database, indicating this variant is rare. At this time, the clinical significance of this variant is uncertain due to the absence of conclusive functional and genetic evidence.